The following is an entry in ClinVar:

ClinVar aggregate classification (germline): Likely benign (1 of 4 stars; one submission).

Conditions:
KIF17-related disorder. Also called: KIF17-related condition.

gnomAD v4.1: 27 of 1,611,884 alleles (0.0017%); highest among the groups gnomAD compares: South Asian, 0.0077%; no homozygotes.

Submission:

PreventionGenetics, part of Exact Sciences
Classification: Likely benign for KIF17-related condition. Last evaluated: 2024-10-19. Review status: criteria provided, single submitter. Criteria: ACMG Guidelines, 2015. Collection method: clinical testing. Allele origin: germline.
Comment: This variant is classified as likely benign based on ACMG/AMP sequence variant interpretation guidelines (Richards et al. 2015 PMID: 25741868, with internal and published modifications).

NM_001122819.3(KIF17):c.378+4C>T

Gene: KIF17 (kinesin family member 17; minus strand). Cytogenetic location: 1p36.12.
Variant type: single nucleotide variant.
Coding change: c.378+4C>T on transcript NM_001122819.3 (MANE Select); 4 bases into the intron after coding-DNA position 378, C replaced by T.
Molecular consequence: intron variant.
Genome position (GRCh38, 1-based): chr1:20,715,489, G>A on the plus strand (C>T on the coding strand, the complement: KIF17 is on the minus strand). VCF-style: chr1-20715489-G-A. GRCh37 (hg19) VCF-style: chr1-21041982-G-A.
Other names: c.378+4C>T (NM_020816.4); c.78+4C>T (NM_001287212.2).
Identifiers: ClinVar variation 4988369 (VCV004988369.1).
Genomic context (GRCh38, chr1:20,715,489, plus strand): 5'-GTCAGAAGTGCTCTGGGCCCAGCTGCAGCTCTGGCCCTGCCCCTTCCCTCTGCGAGGCCC[G>A]TACCTGGACGCTCTCGAACACGTGCTCGAAGGCCCTGGGGATGATGCCTCTCTGGGAGGG-3'